The following is an entry in ClinVar:

NM_001110556.2(FLNA):c.334G>C (p.Glu112Gln)

Gene: FLNA (filamin A; minus strand). Cytogenetic location: Xq28.
Variant type: single nucleotide variant.
Coding change: c.334G>C on transcript NM_001110556.2 (MANE Select); coding-DNA position 334, G replaced by C.
Protein change: p.Glu112Gln; replaces glutamic acid 112 with glutamine.
Molecular consequence: missense variant.
Genome position (GRCh38, 1-based): chrX:154,370,912, C>G on the plus strand (G>C on the coding strand, the complement: FLNA is on the minus strand). VCF-style: chrX-154370912-C-G. GRCh37 (hg19) VCF-style: chrX-153599280-C-G.
Other names: c.334G>C, p.Glu112Gln (NM_001456.4); short protein forms E112Q.
Identifiers: ClinVar variation 3775848 (VCV003775848.1).
Genomic context (GRCh38, chrX:154,370,912, plus strand): 5'-GCGCTTCGGGGCGTCCCTCACCGATGGACACCAGTTTGATGCTCTCGCGGTCCAGGAACT[C>G]GAGCGCCACCGACACGTTCTCAAGCTGCATTTGGCGGAAAGTGGGCCGCTGGTTGTGCTT-3'
Protein context (NP_001104026.1, residues 102-122): MQLENVSVAL[Glu112Gln]FLDRESIKLV

ClinVar aggregate classification (germline): Uncertain significance (1 of 4 stars; one submission).

Conditions:
Terminal osseous dysplasia-pigmentary defects syndrome. Also called: ODPF SYNDROME; OSSEOUS DYSPLASIA, DIGITAL, WITH FACIAL PIGMENTARY DEFECTS AND MULTIPLE FRENULA; ODPD; TERMINAL OSSEOUS DYSPLASIA AND PIGMENTARY DEFECTS; Terminal Osseous Dysplasia (FLNA-TOD). Identifiers: Orphanet 88630, MedGen C1846129, MONDO:0010279, OMIM 300244.

Submission:

3billion
Classification: Uncertain significance for Terminal osseous dysplasia-pigmentary defects syndrome. Last evaluated: 2023-09-08. Review status: criteria provided, single submitter. Criteria: ACMG Guidelines, 2015. Collection method: clinical testing. Allele origin: germline. Affected: yes.
Comment: The variant is not observed in the gnomAD v2.1.1 dataset. Predicted Consequence/Location: Missense variant In silico tool predictions suggest damaging effect of the variant on gene or gene product [REVEL: 0.62 (>=0.6, sensitivity 0.68 and specificity 0.92); 3Cnet: 0.63 (>=0.6, sensitivity 0.72 and precision 0.9)]. Therefore, this variant is classified as VUS according to the recommendation of ACMG/AMP guideline.